The following is an entry in ClinVar:

ClinVar aggregate classification (germline): Uncertain significance. Review status: criteria provided, multiple submitters, no conflicts (2 of 4 stars). 2 submissions from 2 submitters: Uncertain significance (2). Last evaluated 2025-04-12.

Conditions:
Loeys-Dietz syndrome 2 (LDS2). Also called: AORTIC ANEURYSM, FAMILIAL THORACIC 3; MARFAN SYNDROME, TYPE II; TGFBR2-Related Loeys-Dietz Syndrome; Marfan syndrome, type 2 (formerly); Marfan Syndrome type 2; Marfan like connective tissue disorder. Identifiers: Orphanet 284973, Orphanet 558, MedGen C2674574, MONDO:0012427, OMIM 610168.

gnomAD v4.1: 1 of 1,613,954 alleles (0.000062%); no homozygotes.

Submissions (2):

Ambry Genetics
Classification: Uncertain significance. Last evaluated: 2025-04-12. Review status: criteria provided, single submitter. Criteria: Ambry Variant Classification Scheme 2023. Collection method: clinical testing. Allele origin: germline.

Labcorp Genetics (formerly Invitae), Labcorp
Classification: Uncertain significance for Loeys-Dietz syndrome 2. Last evaluated: 2024-04-09. Review status: criteria provided, single submitter. Criteria: Invitae Variant Classification Sherloc (09022015). Collection method: clinical testing. Allele origin: germline.
Comment: This sequence change replaces glycine, which is neutral and non-polar, with aspartic acid, which is acidic and polar, at codon 649 of the TMPO protein (p.Gly649Asp). This variant is not present in population databases (gnomAD no frequency). This variant has not been reported in the literature in individuals affected with TMPO-related conditions. Advanced modeling of protein sequence and biophysical properties (such as structural, functional, and spatial information, amino acid conservation, physicochemical variation, residue mobility, and thermodynamic stability) performed at Invitae indicates that this missense variant is not expected to disrupt TMPO protein function with a negative predictive value of 80%. In summary, the available evidence is currently insufficient to determine the role of this variant in disease. Therefore, it has been classified as a Variant of Uncertain Significance.

NM_001032283.3(TMPO):c.565+2365G>A

Gene: TMPO (thymopoietin; plus strand). Cytogenetic location: 12q23.1.
Variant type: single nucleotide variant.
Coding change: c.565+2365G>A on transcript NM_001032283.3 (MANE Select); 2365 bases into the intron after coding-DNA position 565, G replaced by A.
Molecular consequence: intron variant. On other transcripts: missense variant (1).
Genome position (GRCh38, 1-based): chr12:98,534,203, G>A. VCF-style: chr12-98534203-G-A. GRCh37 (hg19) VCF-style: chr12-98927981-G-A.
Other names: c.1946G>A, p.Gly649Asp (NM_003276.2); c.565+2365G>A (NM_001307975.2, NM_001032284.3); short protein forms G649D.
Identifiers: ClinVar variation 3605123 (VCV003605123.3).